The following is an entry in ClinVar:

ClinVar aggregate classification (germline): Likely benign (1 of 4 stars; one submission).

Submission:

CeGaT Center for Human Genetics Tuebingen
Classification: Likely benign. Last evaluated: 2023-02-01. Review status: criteria provided, single submitter. Criteria: CeGaT Center For Human Genetics Tuebingen Variant Classification Criteria Version 2. Collection method: clinical testing. Allele origin: germline. Affected: yes. Observed: 1 variant allele.
Comment: NBPF14: BP4, BS2

Single allele

Gene: NBPF14 (NBPF member 14; minus strand). Cytogenetic location: 1q21.2.
Variant type: single nucleotide variant.
Identifiers: ClinVar variation 2639135 (VCV002639135.19), dbSNP rs782451040, ClinGen allele CA1067626.